The following is an entry in ClinVar:

NM_001046.3(SLC12A2):c.478G>A (p.Ala160Thr)

Gene: SLC12A2 (solute carrier family 12 member 2; plus strand). Cytogenetic location: 5q23.3.
Variant type: single nucleotide variant.
Coding change: c.478G>A on transcript NM_001046.3 (MANE Select); coding-DNA position 478, G replaced by A.
Protein change: p.Ala160Thr; replaces alanine 160 with threonine.
Molecular consequence: missense variant. On other transcripts: non-coding transcript variant (1).
Genome position (GRCh38, 1-based): chr5:128,084,432, G>A. VCF-style: chr5-128084432-G-A. GRCh37 (hg19) VCF-style: chr5-127420124-G-A.
Other names: c.478G>A, p.Ala160Thr (NM_001256461.2); short protein forms A160T.
Identifiers: ClinVar variation 1960737 (VCV001960737.5), dbSNP rs1385619799, ClinGen allele CA360736574.

ClinVar aggregate classification (germline): Uncertain significance (1 of 4 stars; one submission).

Allele frequency attached by ClinVar (database versions not stated): TOPMed 0.00001.

Submission:

Labcorp Genetics (formerly Invitae), Labcorp
Classification: Uncertain significance. Last evaluated: 2022-06-01. Review status: criteria provided, single submitter. Criteria: Invitae Variant Classification Sherloc (09022015). Collection method: clinical testing. Allele origin: germline.
Comment: In summary, the available evidence is currently insufficient to determine the role of this variant in disease. Therefore, it has been classified as a Variant of Uncertain Significance. Advanced modeling of protein sequence and biophysical properties (such as structural, functional, and spatial information, amino acid conservation, physicochemical variation, residue mobility, and thermodynamic stability) performed at Invitae indicates that this missense variant is not expected to disrupt SLC12A2 protein function. This variant has not been reported in the literature in individuals affected with SLC12A2-related conditions. This variant is not present in population databases (gnomAD no frequency). This sequence change replaces alanine, which is neutral and non-polar, with threonine, which is neutral and polar, at codon 160 of the SLC12A2 protein (p.Ala160Thr).